The following is an entry in ClinVar:

ClinVar aggregate classification (germline): Uncertain significance (1 of 4 stars; one submission).

Allele frequency attached by ClinVar (database versions not stated): gnomAD 0.00001; TOPMed 0.00002; 1000 Genomes Project 0.00020; 1000 Genomes Project 30x 0.00031.
gnomAD v4.1: 40 of 1,613,992 alleles (0.0025%); highest among the groups gnomAD compares: Non-Finnish European, 0.0031%; no homozygotes.

Submission:

Labcorp Genetics (formerly Invitae), Labcorp
Classification: Uncertain significance. Last evaluated: 2025-02-24. Review status: criteria provided, single submitter. Criteria: Invitae Variant Classification Sherloc (09022015). Collection method: clinical testing. Allele origin: germline.
Comment: This sequence change creates a premature translational stop signal (p.Gly922*) in the A2ML1 gene. It is expected to result in an absent or disrupted protein product. However, the current clinical and genetic evidence is not sufficient to establish whether loss-of-function variants in A2ML1 cause disease. This variant is present in population databases (rs759389585, gnomAD 0.006%). This variant has not been reported in the literature in individuals affected with A2ML1-related conditions. ClinVar contains an entry for this variant (Variation ID: 1944393). Algorithms developed to predict the effect of sequence changes on RNA splicing suggest that this variant may disrupt the consensus splice site. In summary, the available evidence is currently insufficient to determine the role of this variant in disease. Therefore, it has been classified as a Variant of Uncertain Significance.

NM_144670.6(A2ML1):c.2764G>T (p.Gly922Ter)

Gene: A2ML1 (alpha-2-macroglobulin like 1; plus strand). Cytogenetic location: 12p13.31.
Variant type: single nucleotide variant.
Coding change: c.2764G>T on transcript NM_144670.6 (MANE Select); coding-DNA position 2764, G replaced by T.
Protein change: p.Gly922Ter; replaces glycine 922 with a stop codon.
Molecular consequence: nonsense.
Genome position (GRCh38, 1-based): chr12:8,854,831, G>T. VCF-style: chr12-8854831-G-T. GRCh37 (hg19) VCF-style: chr12-9007427-G-T.
Other names: c.1291G>T, p.Gly431Ter (NM_001282424.3); short protein forms G922*, G431*.
Identifiers: ClinVar variation 1944393 (VCV001944393.5), dbSNP rs759389585, ClinGen allele CA232693356.